The following is an entry in ClinVar:

ClinVar aggregate classification (germline): Uncertain significance. Review status: criteria provided, multiple submitters, no conflicts (2 of 4 stars). 3 submissions from 3 submitters: Uncertain significance (2). 1 of the submissions does not count toward it. Last evaluated 2022-01-27.

Conditions:
Lysinuric protein intolerance (LPI). Identifiers: Orphanet 470, MedGen C0268647, MONDO:0009109, OMIM 222700.

Allele frequency attached by ClinVar (database versions not stated): gnomAD below 0.00001 and 0.00001; gnomAD exomes 0.00001; TOPMed 0.00001.
gnomAD v4.1: 8 of 1,613,994 alleles (0.0005%); highest among the groups gnomAD compares: Middle Eastern, 0.033%; no homozygotes.

Submissions (3):

Fulgent Genetics
Classification: Uncertain significance for Lysinuric protein intolerance. Last evaluated: 2022-01-27. Review status: criteria provided, single submitter. Criteria: ACMG Guidelines, 2015. Collection method: clinical testing. Allele origin: unknown.

Labcorp Genetics (formerly Invitae), Labcorp
Classification: Uncertain significance for Lysinuric protein intolerance. Last evaluated: 2021-09-01. Review status: criteria provided, single submitter. Criteria: Invitae Variant Classification Sherloc (09022015). Collection method: clinical testing. Allele origin: germline.
Comment: This sequence change replaces phenylalanine with serine at codon 335 of the SLC7A7 protein (p.Phe335Ser). The phenylalanine residue is moderately conserved and there is a large physicochemical difference between phenylalanine and serine. This variant is not present in population databases (ExAC no frequency). This variant has not been reported in the literature in individuals affected with SLC7A7-related conditions. ClinVar contains an entry for this variant (Variation ID: 965156). Algorithms developed to predict the effect of missense changes on protein structure and function are either unavailable or do not agree on the potential impact of this missense change (SIFT: "Tolerated"; PolyPhen-2: "Probably Damaging"; Align-GVGD: "Class C0"). In summary, the available evidence is currently insufficient to determine the role of this variant in disease. Therefore, it has been classified as a Variant of Uncertain Significance.

Natera, Inc.
Classification: Uncertain significance for Lysinuric protein intolerance. Last evaluated: 2020-03-12. Review status: no assertion criteria provided. Collection method: clinical testing. Allele origin: germline. Not counted in ClinVar's aggregate classification.

NM_003982.4(SLC7A7):c.1004T>C (p.Phe335Ser)

Gene: SLC7A7 (solute carrier family 7 member 7; minus strand). Cytogenetic location: 14q11.2.
Variant type: single nucleotide variant.
Coding change: c.1004T>C on transcript NM_003982.4 (MANE Select); coding-DNA position 1004, T replaced by C.
Protein change: p.Phe335Ser; replaces phenylalanine 335 with serine.
Molecular consequence: missense variant.
Genome position (GRCh38, 1-based): chr14:22,775,535, A>G on the plus strand (T>C on the coding strand, the complement: SLC7A7 is on the minus strand). VCF-style: chr14-22775535-A-G. GRCh37 (hg19) VCF-style: chr14-23244744-A-G.
Other names: c.1004T>C, p.Phe335Ser (NM_001126105.3, NM_001126106.4); short protein forms F335S.
Identifiers: ClinVar variation 965156 (VCV000965156.8), dbSNP rs11568424, ClinGen allele CA257725872.